The following is an entry in ClinVar:

ClinVar aggregate classification (germline): Pathogenic/Likely pathogenic. Review status: criteria provided, multiple submitters, no conflicts (2 of 4 stars). 2 submissions from 2 submitters: Pathogenic (1); Likely pathogenic (1). Last evaluated 2025-05-04.

Conditions:
Intellectual developmental disorder, autosomal dominant 42. Also called: Intellectual disability, autosomal dominant 42; Global developmental delay-neuro-ophthalmological abnormalities-seizures-intellectual disability syndrome; GNB1 Encephalopathy. Identifiers: Orphanet 488613, MedGen C4310774, MONDO:0014855, OMIM 616973.

Submissions (2):

Variantyx, Inc.
Classification: Likely pathogenic for Intellectual developmental disorder, autosomal dominant 42. Last evaluated: 2025-05-04. Review status: criteria provided, single submitter. Criteria: Variantyx Assertion Criteria 2022. Collection method: clinical testing. Allele origin: germline. Inheritance: Autosomal dominant inheritance. Affected: yes.
Comment: This is a frameshift variant in the GNB1 gene (OMIM: 139380). Pathogenic variants in this gene have been associated with autosomal dominant intellectual developmental disorder 42. This variant introduces a premature termination codon in exon 7 out of 12. It is expected to result in loss of function, which is a known disease mechanism for GNB1 in this disorder (PMID: 25485910, 27108799, 28087732, 32918542, 38596856, 39581956) (PVS1). This variant is absent from control populations (PM2). Based on the current evidence, this variant is classified as likely pathogenic for autosomal dominant intellectual developmental disorder 42.

Labcorp Genetics (formerly Invitae), Labcorp
Classification: Pathogenic. Last evaluated: 2023-07-12. Review status: criteria provided, single submitter. Criteria: Invitae Variant Classification Sherloc (09022015). Collection method: clinical testing. Allele origin: germline.
Comment: This sequence change creates a premature translational stop signal (p.Val100Glufs*10) in the GNB1 gene. It is expected to result in an absent or disrupted protein product. Loss-of-function variants in GNB1 are known to be pathogenic (PMID: 25485910, 27108799, 28087732, 32918542). This variant is not present in population databases (gnomAD no frequency). For these reasons, this variant has been classified as Pathogenic. This variant has not been reported in the literature in individuals affected with GNB1-related conditions.

Literature cited by the submitters: PubMed 25485910 (cited by Variantyx, Inc. and Labcorp Genetics (formerly Invitae), Labcorp); PubMed 27108799 (cited by Variantyx, Inc. and Labcorp Genetics (formerly Invitae), Labcorp); PubMed 28087732 (cited by Variantyx, Inc. and Labcorp Genetics (formerly Invitae), Labcorp); PubMed 32918542 (cited by Variantyx, Inc. and Labcorp Genetics (formerly Invitae), Labcorp); PubMed 38596856 (cited by Variantyx, Inc.); PubMed 39581956 (cited by Variantyx, Inc.).

NM_002074.5(GNB1):c.299_327del (p.Val100fs)

Gene: GNB1 (G protein subunit beta 1; minus strand). Cytogenetic location: 1p36.33.
Variant type: Deletion.
Coding change: c.299_327del on transcript NM_002074.5 (MANE Select); coding-DNA positions 299 to 327, 29 bases deleted (TCATGACCTGTGCATATGCCCCTTCTGGG).
Protein change: p.Val100fs; shifts the reading frame from valine 100.
Molecular consequence: frameshift variant. On other transcripts: initiator codon variant (1).
Genome position (GRCh38, 1-based): chr1:1,804,522-1,804,550, CCCAGAAGGGGCATATGCACAGGTCATGA deleted on the plus strand (TCATGACCTGTGCATATGCCCCTTCTGGG on the coding strand, the reverse complement: GNB1 is on the minus strand); deleting any 29 consecutive bases within chr1:1,804,522-1,804,555 gives the same sequence; the c. name uses the placement nearest the transcript's 3' end. VCF-style (leftmost placement, unchanged base first): chr1-1804521-TCCCAGAAGGGGCATATGCACAGGTCATGA-T. GRCh37 (hg19) VCF-style: chr1-1735960-TCCCAGAAGGGGCATATGCACAGGTCATGA-T.
Other names: c.-2_27del, p.Met1fs (NM_001282538.2); c.299_327del, p.Val100fs (NM_001282539.2); short protein forms V100fs, M1fs.
Identifiers: ClinVar variation 2742218 (VCV002742218.4), dbSNP rs2522748497, ClinGen allele CA2697552042.